The following is an entry in ClinVar:

NM_006031.6(PCNT):c.8325A>G (p.Thr2775=)

Gene: PCNT (pericentrin; plus strand). Cytogenetic location: 21q22.3.
Variant type: single nucleotide variant.
Coding change: c.8325A>G on transcript NM_006031.6 (MANE Select); coding-DNA position 8325, A replaced by G.
Protein change: p.Thr2775=; no amino-acid change (threonine 2775 retained).
Molecular consequence: synonymous variant.
Genome position (GRCh38, 1-based): chr21:46,431,789, A>G. VCF-style: chr21-46431789-A-G. GRCh37 (hg19) VCF-style: chr21-47851703-A-G.
Other names: c.7971A>G, p.Thr2657= (NM_001315529.2).
Identifiers: ClinVar variation 897779 (VCV000897779.8), dbSNP rs776706307, ClinGen allele CA10080943.
Genomic context (GRCh38, chr21:46,431,789, plus strand): 5'-GGAGCTGTCAGAGGCCTTGCGGCACGAGCGGCTCCTGACCGAGCAGCTGAGCCAGAGGAC[A>G]CAGGAGGCTTGCGTGCACCAGGACACACAGGCCCATCACGCTCTGCTGCAGAAGCTGAAG-3'
Protein context (NP_006022.3, residues 2765-2785): RLLTEQLSQR[Thr2775=]QEACVHQDTQ

ClinVar aggregate classification (germline): Conflicting classifications of pathogenicity. Review status: criteria provided, conflicting classifications (1 of 4 stars). 3 submissions from 3 submitters: Uncertain significance (1); Likely benign (1). 1 of the submissions does not count toward it. Last evaluated 2023-12-04.

Conditions:
Microcephalic osteodysplastic primordial dwarfism type II (MOPD2). Also called: Microcephalic osteodysplastic primordial dwarfism with tooth abnormalities; MOPD II; OSTEODYSPLASTIC PRIMORDIAL DWARFISM, TYPE II. Identifiers: Orphanet 2637, MedGen C0432246, MONDO:0008872, OMIM 210720.
PCNT-related disorder. Also called: PCNT-related condition.

Allele frequency attached by ClinVar (database versions not stated): gnomAD 0.00001; gnomAD exomes 0.00001 and 0.00003; ExAC 0.00003; TOPMed 0.00003.
gnomAD v4.1: 46 of 1,613,332 alleles (0.0029%); highest among the groups gnomAD compares: Non-Finnish European, 0.0038%; no homozygotes.

Submissions (3):

Labcorp Genetics (formerly Invitae), Labcorp
Classification: Likely benign. Last evaluated: 2023-12-04. Review status: criteria provided, single submitter. Criteria: Invitae Variant Classification Sherloc (09022015). Collection method: clinical testing. Allele origin: germline.

Illumina Laboratory Services, Illumina
Classification: Uncertain significance for Microcephalic osteodysplastic primordial dwarfism type II. Last evaluated: 2018-01-13. Review status: criteria provided, single submitter. Criteria: ICSL Variant Classification Criteria 13 December 2019. Collection method: clinical testing. Allele origin: germline.

PreventionGenetics, part of Exact Sciences
Classification: Likely benign for PCNT-related condition. Last evaluated: 2022-01-03. Review status: no assertion criteria provided. Collection method: clinical testing. Allele origin: germline. Not counted in ClinVar's aggregate classification.
Comment: This variant is classified as likely benign based on ACMG/AMP sequence variant interpretation guidelines (Richards et al. 2015 PMID: 25741868, with internal and published modifications).